The following is an entry in ClinVar:

ClinVar aggregate classification (germline): Uncertain significance (1 of 4 stars; one submission).

gnomAD v4.1: 9 of 1,547,744 alleles (0.00058%); highest among the groups gnomAD compares: African/African-American, 0.0071%; no homozygotes.

Submission:

Labcorp Genetics (formerly Invitae), Labcorp
Classification: Uncertain significance. Last evaluated: 2025-09-09. Review status: criteria provided, single submitter. Criteria: Invitae Variant Classification Sherloc (09022015). Collection method: clinical testing. Allele origin: germline.
Comment: This sequence change replaces proline, which is neutral and non-polar, with leucine, which is neutral and non-polar, at codon 104 of the RELB protein (p.Pro104Leu). The frequency data for this variant in the population databases is considered unreliable, as metrics indicate poor data quality at this position in the gnomAD database. This variant has not been reported in the literature in individuals affected with RELB-related conditions. ClinVar contains an entry for this variant (Variation ID: 3697923). An algorithm developed to predict the effect of missense changes on protein structure and function outputs the following: PolyPhen-2: "Benign". The leucine amino acid residue is found in multiple mammalian species, which suggests that this missense change does not adversely affect protein function. In summary, the available evidence is currently insufficient to determine the role of this variant in disease. Therefore, it has been classified as a Variant of Uncertain Significance.

NM_006509.4(RELB):c.311C>T (p.Pro104Leu)

Gene: RELB (RELB proto-oncogene, NF-kB subunit; plus strand). Cytogenetic location: 19q13.32.
Variant type: single nucleotide variant.
Coding change: c.311C>T on transcript NM_006509.4 (MANE Select); coding-DNA position 311, C replaced by T.
Protein change: p.Pro104Leu; replaces proline 104 with leucine.
Molecular consequence: missense variant.
Genome position (GRCh38, 1-based): chr19:45,012,083, C>T. VCF-style: chr19-45012083-C-T. GRCh37 (hg19) VCF-style: chr19-45515341-C-T.
Other names: c.302C>T, p.Pro101Leu (NM_001411087.1); short protein forms P104L, P101L.
Identifiers: ClinVar variation 3697923 (VCV003697923.2).